The following is an entry in ClinVar:

NM_000051.4(ATM):c.497-6_497-4del

Gene: ATM (ATM serine/threonine kinase; plus strand). Cytogenetic location: 11q22.3.
Variant type: Deletion.
Coding change: c.497-6_497-4del on transcript NM_000051.4 (MANE Select); 6 bases into the intron before coding-DNA position 497 through 4 bases into the intron before coding-DNA position 497, 3 bases deleted (TTT; older notation c.497-6_497-4delTTT).
Molecular consequence: intron variant.
Genome position (GRCh38, 1-based): chr11:108,243,947-108,243,949, TTT deleted; deleting any 3 consecutive bases within chr11:108,243,935-108,243,949 gives the same sequence; the c. name uses the placement nearest the transcript's 3' end. VCF-style (leftmost placement, unchanged base first): chr11-108243934-ATTT-A. GRCh37 (hg19) VCF-style: chr11-108114661-ATTT-A.
Other names: c.497-6_497-4del (NM_001351834.2).
Identifiers: ClinVar variation 3221600 (VCV003221600.1), dbSNP rs768748099, ClinGen allele CA602129602.

ClinVar aggregate classification (germline): Uncertain significance (1 of 4 stars; one submission).

Conditions:
Hereditary cancer-predisposing syndrome. Also called: Tumor predisposition; Hereditary neoplastic syndrome; Hereditary Cancer Syndrome; Neoplastic Syndromes, Hereditary. Identifiers: Orphanet 140162, MedGen C0027672, MeSH D009386, MONDO:0015356.

Submission:

Ambry Genetics
Classification: Uncertain significance for Hereditary cancer-predisposing syndrome. Last evaluated: 2024-03-10. Review status: criteria provided, single submitter. Criteria: Ambry Variant Classification Scheme 2023. Collection method: clinical testing. Allele origin: germline.
Comment: The c.497-6_497-4delTTT intronic variant, located in intron 4 of the ATM gene, results from a deletion of 3 nucleotides within intron 4 of the ATM gene. These nucleotide positions are not well conserved in available vertebrate species. In silico splice site analysis predicts that this alteration may weaken the native splice acceptor site. RNA studies have demonstrated that this alteration results in a splice defect; the clinical impact of this abnormal splicing is unknown at this time (Ambry internal data). Based on the available evidence, the clinical significance of this alteration remains unclear.